The following is an entry in ClinVar:

ClinVar aggregate classification (germline): Uncertain significance (1 of 4 stars; one submission).

gnomAD v4.1: 6 of 1,614,094 alleles (0.00037%); highest among the groups gnomAD compares: African/African-American, 0.008%; no homozygotes.

Submission:

GeneDx
Classification: Uncertain significance. Last evaluated: 2024-07-23. Review status: criteria provided, single submitter. Criteria: GeneDx Variant Classification Process June 2021. Collection method: clinical testing. Allele origin: germline. Affected: yes.
Comment: Not observed at significant frequency in large population cohorts (gnomAD); In silico analysis supports that this missense variant has a deleterious effect on protein structure/function; Has not been previously published as pathogenic or benign to our knowledge

NM_015346.4(ZFYVE26):c.3176G>A (p.Cys1059Tyr)

Gene: ZFYVE26 (zinc finger FYVE-type containing 26; minus strand). Cytogenetic location: 14q24.1.
Variant type: single nucleotide variant.
Coding change: c.3176G>A on transcript NM_015346.4 (MANE Select); coding-DNA position 3176, G replaced by A.
Protein change: p.Cys1059Tyr; replaces cysteine 1059 with tyrosine.
Molecular consequence: missense variant.
Genome position (GRCh38, 1-based): chr14:67,785,986, C>T on the plus strand (G>A on the coding strand, the complement: ZFYVE26 is on the minus strand). VCF-style: chr14-67785986-C-T. GRCh37 (hg19) VCF-style: chr14-68252703-C-T.
Other names: short protein forms C1059Y.
Identifiers: ClinVar variation 3600823 (VCV003600823.1).